The following is an entry in ClinVar:

ClinVar aggregate classification (germline): Uncertain significance (1 of 4 stars; one submission).

Conditions:
MELAS syndrome (MELAS). Also called: Juvenile myopathy, encephalopathy, lactic acidosis, stroke. Identifiers: Orphanet 550, MedGen C0162671, MONDO:0010789, OMIM 540000.

Submission:

Wong Mito Lab, Molecular and Human Genetics, Baylor College of Medicine
Classification: Uncertain significance for MELAS syndrome. Last evaluated: 2019-07-12. Review status: criteria provided, single submitter. Criteria: Modified ACMG Guidelines (Unpublished). Collection method: clinical testing. Allele origin: germline.
Comment: The NC_012920.1:m.4466A>G variant in MT-TM gene is interpreted to be a Unknown Significance variant based on the modified ACMG guidelines (unpublished). This variant meets the following evidence codes reported in the guidelines: BP6

Literature cited by the submitters: PubMed 31965079.

NC_012920.1(MT-TM):m.4466A>G

Gene: MT-TM (mitochondrially encoded tRNA methionine; plus strand).
Variant type: single nucleotide variant.
Genome position: chrM-4466-A-G.
Identifiers: ClinVar variation 689921 (VCV000689921.1), dbSNP rs1603219467, ClinGen allele CA913178270.